The following is an entry in ClinVar:

ClinVar aggregate classification (germline): Pathogenic (1 of 4 stars; one submission).

Conditions:
Neuronal ceroid lipofuscinosis 7 (CLN7). Also called: MFSD8-Related Neuronal Ceroid-Lipofuscinosis. Identifiers: Orphanet 168491, Orphanet 228366, MedGen C1838571, MONDO:0012588, OMIM 610951.

Submission:

Labcorp Genetics (formerly Invitae), Labcorp
Classification: Pathogenic for Neuronal ceroid lipofuscinosis 7. Last evaluated: 2024-02-20. Review status: criteria provided, single submitter. Criteria: Invitae Variant Classification Sherloc (09022015). Collection method: clinical testing. Allele origin: germline.
Comment: This sequence change creates a premature translational stop signal (p.Ile374Leufs*39) in the MFSD8 gene. It is expected to result in an absent or disrupted protein product. Loss-of-function variants in MFSD8 are known to be pathogenic (PMID: 19177532, 25227500, 28586915). This variant is not present in population databases (gnomAD no frequency). This variant has not been reported in the literature in individuals affected with MFSD8-related conditions. For these reasons, this variant has been classified as Pathogenic.

Literature cited by the submitters: PubMed 19177532; PubMed 25227500; PubMed 28586915.

NM_001371596.2(MFSD8):c.1119_1122del (p.Ile374fs)

Gene: MFSD8 (major facilitator superfamily domain containing 8; minus strand). Cytogenetic location: 4q28.2.
Variant type: Deletion.
Coding change: c.1119_1122del on transcript NM_001371596.2 (MANE Select); coding-DNA positions 1119 to 1122, 4 bases deleted (AATC; older notation c.1119_1122delAATC).
Protein change: p.Ile374fs; shifts the reading frame from isoleucine 374.
Molecular consequence: frameshift variant. On other transcripts: 3 prime UTR variant (1).
Genome position (GRCh38, 1-based): chr4:127,921,752-127,921,755, GATT deleted on the plus strand (AATC on the coding strand, the reverse complement: MFSD8 is on the minus strand); deleting any 4 consecutive bases within chr4:127,921,752-127,921,757 gives the same sequence; the c. name uses the placement nearest the transcript's 3' end. VCF-style (leftmost placement, unchanged base first): chr4-127921751-GGATT-G. GRCh37 (hg19) VCF-style: chr4-128842906-GGATT-G.
Other names: c.918_921del, p.Ile307fs (NM_001363520.3); c.804_807del, p.Ile269fs (NM_001363521.3); c.984_987del, p.Ile329fs (NM_001371590.2); c.1119_1122del, p.Ile374fs (NM_001371591.2, NM_152778.4); c.1125_1128del, p.Ile376fs (NM_001371592.2); c.1005_1008del, p.Ile336fs (NM_001371593.2); c.972_975del, p.Ile325fs (NM_001371594.2); c.837_840del, p.Ile280fs (NM_001371595.1); and 2 more; short protein forms I224fs, I269fs, I325fs, I329fs, I336fs, I376fs, I280fs, I307fs.
Identifiers: ClinVar variation 2869672 (VCV002869672.3), dbSNP rs2546047302, ClinGen allele CA2739265919.